The following is an entry in ClinVar:

NM_024312.5(GNPTAB):c.974A>G (p.Asp325Gly)

Gene: GNPTAB (N-acetylglucosamine-1-phosphate transferase subunits alpha and beta; minus strand). Cytogenetic location: 12q23.2.
Variant type: single nucleotide variant.
Coding change: c.974A>G on transcript NM_024312.5 (MANE Select); coding-DNA position 974, A replaced by G.
Protein change: p.Asp325Gly; replaces aspartic acid 325 with glycine.
Molecular consequence: missense variant.
Genome position (GRCh38, 1-based): chr12:101,770,545, T>C on the plus strand (A>G on the coding strand, the complement: GNPTAB is on the minus strand). VCF-style: chr12-101770545-T-C. GRCh37 (hg19) VCF-style: chr12-102164323-T-C.
Other names: short protein forms D325G.
Identifiers: ClinVar variation 1439378 (VCV001439378.5), dbSNP rs1953155939, ClinGen allele CA386303311.

ClinVar aggregate classification (germline): Uncertain significance (1 of 4 stars; one submission).

Conditions:
Pseudo-Hurler polydystrophy. Also called: ML III; ML III ALPHA/BETA; MUCOLIPIDOSIS IIIA; Type III Mucolipidosis; ML IIIA; Mucolipidosis III Alpha/Beta. Identifiers: Orphanet 423461, Orphanet 577, MedGen C0033788, MONDO:0018931, OMIM 252600.
Mucolipidosis type II. Also called: ML II ALPHA/BETA; Mucolipidosis 2; ML 2; Inclusion cell disease; Leroy Disease; N-acetylglucosamine 1phosphotransferase deficiency. Identifiers: Orphanet 576, MedGen C2673377, MONDO:0009650, OMIM 252500.

Allele frequency attached by ClinVar (database versions not stated): TOPMed below 0.00001.
gnomAD v4.1: 20 of 1,613,922 alleles (0.0012%); highest among the groups gnomAD compares: Non-Finnish European, 0.0016%; no homozygotes.

Submission:

Labcorp Genetics (formerly Invitae), Labcorp
Classification: Uncertain significance for Pseudo-Hurler polydystrophy; Mucolipidosis type II. Last evaluated: 2021-09-24. Review status: criteria provided, single submitter. Criteria: Invitae Variant Classification Sherloc (09022015). Collection method: clinical testing. Allele origin: germline.
Comment: This sequence change replaces aspartic acid with glycine at codon 325 of the GNPTAB protein (p.Asp325Gly). The aspartic acid residue is highly conserved and there is a moderate physicochemical difference between aspartic acid and glycine. This variant is not present in population databases (ExAC no frequency). This variant has not been reported in the literature in individuals with GNPTAB-related conditions. Algorithms developed to predict the effect of missense changes on protein structure and function (SIFT, PolyPhen-2, Align-GVGD) all suggest that this variant is likely to be disruptive, but these predictions have not been confirmed by published functional studies and their clinical significance is uncertain. Algorithms developed to predict the effect of sequence changes on RNA splicing suggest that this variant may create or strengthen a splice site, but this prediction has not been confirmed by published transcriptional studies. In summary, the available evidence is currently insufficient to determine the role of this variant in disease. Therefore, it has been classified as a Variant of Uncertain Significance.